The following is an entry in ClinVar:

NM_003620.4(PPM1D):c.1503_1507del (p.Ser503fs)

Gene: PPM1D (protein phosphatase, Mg2+/Mn2+ dependent 1D; plus strand). Cytogenetic location: 17q23.2.
Variant type: Deletion.
Coding change: c.1503_1507del on transcript NM_003620.4 (MANE Select); coding-DNA positions 1503 to 1507, 5 bases deleted (TAATT; older notation c.1503_1507delTAATT).
Protein change: p.Ser503fs; shifts the reading frame from serine 503.
Molecular consequence: frameshift variant.
Genome position (GRCh38, 1-based): chr17:60,663,237-60,663,241, TAATT deleted. VCF-style (leftmost placement, unchanged base first): chr17-60663236-CTAATT-C. GRCh37 (hg19) VCF-style: chr17-58740597-CTAATT-C.
Other names: short protein forms S503fs.
Identifiers: ClinVar variation 3254874 (VCV003254874.1), dbSNP rs2544470298.

ClinVar aggregate classification (germline): Pathogenic (1 of 4 stars; one submission).

Conditions:
Intellectual developmental disorder with gastrointestinal difficulties and high pain threshold (JDVS). Also called: JANSEN-DE VRIES SYNDROME. Identifiers: Orphanet 653767, MedGen C4479517, MONDO:0044318, OMIM 617450.

Submission:

Victorian Clinical Genetics Services, Murdoch Childrens Research Institute
Classification: Pathogenic for Intellectual developmental disorder with gastrointestinal difficulties and high pain threshold. Last evaluated: 2023-07-17. Review status: criteria provided, single submitter. Criteria: ACMG Guidelines, 2015. Collection method: clinical testing. Allele origin: germline. Inheritance: Autosomal dominant inheritance. Affected: yes.
Comment: Based on the classification scheme VCGS_Germline_v1.3.4, this variant is classified as Pathogenic. Following criteria are met: 0105 - The mechanism of disease for this gene is not clearly established. However, functional studies suggest gain of function is not a mechanism (PMID: 28343630). (I) 0107 - This gene is associated with autosomal dominant disease. (I) 0205 - Variant is predicted to result in a truncated protein (premature termination codon is NOT located at least 54 nucleotides upstream of the final exon-exon junction) with less than 1/3 of the protein sequence affected. (SP) 0251 - This variant is heterozygous. (I) 0301 - Variant is absent from gnomAD (both v2 and v3). (SP) 0600 - Variant is located in the annotated nuclear localization signal (PMID: 28343630). (I) 0702 - Other downstream protein truncating variants comparable to the one identified in this case have strong previous evidence for pathogenicity. These variants have been reported as VUS and likely pathogenic with limited clinical information (ClinVar). Additionally, multiple individuals with a neurodevelopmental condition have been described, where the variant was either de novo or segregated within families (PMID: 29758292, PMID: 28343630, PMID: 37183572). (SP) 0807 - This variant has no previous evidence of pathogenicity. (I) 0905 - No published segregation evidence has been identified for this variant. (I) 1007 - No published functional evidence has been identified for this variant. (I) Legend: (SP) - Supporting pathogenic, (I) - Information, (SB) - Supporting benign

Literature cited by the submitters: PubMed 28343630; PubMed 29758292; PubMed 37183572.